The following is an entry in ClinVar:

ClinVar aggregate classification (germline): Uncertain significance (1 of 4 stars; one submission).

Submission:

GeneDx
Classification: Uncertain significance. Last evaluated: 2024-06-08. Review status: criteria provided, single submitter. Criteria: GeneDx Variant Classification Process June 2021. Collection method: clinical testing. Allele origin: germline.
Comment: Not observed at significant frequency in large population cohorts (gnomAD); In silico analysis supports that this missense variant does not alter protein structure/function; Has not been previously published as pathogenic or benign to our knowledge

NM_016604.4(KDM3B):c.1592C>T (p.Ser531Phe)

Gene: KDM3B (lysine demethylase 3B; plus strand). Cytogenetic location: 5q31.2.
Variant type: single nucleotide variant.
Coding change: c.1592C>T on transcript NM_016604.4 (MANE Select); coding-DNA position 1592, C replaced by T.
Protein change: p.Ser531Phe; replaces serine 531 with phenylalanine.
Molecular consequence: missense variant.
Genome position (GRCh38, 1-based): chr5:138,391,224, C>T. VCF-style: chr5-138391224-C-T. GRCh37 (hg19) VCF-style: chr5-137726913-C-T.
Other names: short protein forms S531F.
Identifiers: ClinVar variation 2499815 (VCV002499815.2), dbSNP rs1762418047, ClinGen allele CA361106346.